The following is an entry in ClinVar:

ClinVar aggregate classification (germline): Uncertain significance (1 of 4 stars; one submission).

Conditions:
Alagille syndrome due to a JAG1 point mutation. Also called: Alagille Syndrome 1; JAG1-Related Alagille Syndrome; HEPATIC DUCTULAR HYPOPLASIA, SYNDROMATIC. Identifiers: Orphanet 261619, Orphanet 52, MedGen C1956125, MONDO:0016862, OMIM 118450.

Submission:

Labcorp Genetics (formerly Invitae), Labcorp
Classification: Uncertain significance for Alagille syndrome due to a JAG1 point mutation. Last evaluated: 2023-11-13. Review status: criteria provided, single submitter. Criteria: Invitae Variant Classification Sherloc (09022015). Collection method: clinical testing. Allele origin: germline.
Comment: This sequence change replaces glycine, which is neutral and non-polar, with alanine, which is neutral and non-polar, at codon 327 of the JAG1 protein (p.Gly327Ala). This variant is not present in population databases (gnomAD no frequency). This variant has not been reported in the literature in individuals affected with JAG1-related conditions. Advanced modeling of protein sequence and biophysical properties (such as structural, functional, and spatial information, amino acid conservation, physicochemical variation, residue mobility, and thermodynamic stability) performed at Invitae indicates that this missense variant is expected to disrupt JAG1 protein function with a positive predictive value of 80%. In summary, the available evidence is currently insufficient to determine the role of this variant in disease. Therefore, it has been classified as a Variant of Uncertain Significance.

NM_000214.3(JAG1):c.980G>C (p.Gly327Ala)

Gene: JAG1 (jagged canonical Notch ligand 1; minus strand). Cytogenetic location: 20p12.2.
Variant type: single nucleotide variant.
Coding change: c.980G>C on transcript NM_000214.3 (MANE Select); coding-DNA position 980, G replaced by C.
Protein change: p.Gly327Ala; replaces glycine 327 with alanine.
Molecular consequence: missense variant.
Genome position (GRCh38, 1-based): chr20:10,652,157, C>G on the plus strand (G>C on the coding strand, the complement: JAG1 is on the minus strand). VCF-style: chr20-10652157-C-G. GRCh37 (hg19) VCF-style: chr20-10632805-C-G.
Other names: short protein forms G327A.
Identifiers: ClinVar variation 2695623 (VCV002695623.3), dbSNP rs2514521291, ClinGen allele CA408238958.
Genomic context (GRCh38, chr20:10,652,157, plus strand): 5'-GACAAAGGGCTCTCATTCATCTTGGACCACTTACCAATTTCACAGTTGGGTCCTGAATAC[C>G]CCTCAGGGCAGGAACACTGATATTTGTCAGGGCCTGTGTTGCTACAAGTTCCCCCGTTGA-3'
Protein context (NP_000205.1, residues 317-337): PDKYQCSCPE[Gly327Ala]YSGPNCEIAE